The following is an entry in ClinVar:

ClinVar aggregate classification (germline): Uncertain significance (1 of 4 stars; one submission).

Conditions:
Surfactant metabolism dysfunction, pulmonary, 4 (SMDP4). Also called: PAP DUE TO CSF2RA DEFICIENCY; PULMONARY ALVEOLAR PROTEINOSIS, CONGENITAL, 4; CSF2RA DEFICIENCY. Identifiers: Orphanet 264675, MedGen C2677877, MONDO:0010424, OMIM 300770.

Allele frequency attached by ClinVar (database versions not stated): ExAC 0.00001; gnomAD 0.00001; gnomAD exomes 0.00001; TOPMed 0.00002.
gnomAD v4.1: 13 of 1,612,734 alleles (0.00081%); highest among the groups gnomAD compares: Middle Eastern, 0.033%; no homozygotes.

Submission:

Labcorp Genetics (formerly Invitae), Labcorp
Classification: Uncertain significance for Surfactant metabolism dysfunction, pulmonary, 4. Last evaluated: 2021-04-23. Review status: criteria provided, single submitter. Criteria: Invitae Variant Classification Sherloc (09022015). Collection method: clinical testing. Allele origin: germline.
Comment: In summary, the available evidence is currently insufficient to determine the role of this variant in disease. Therefore, it has been classified as a Variant of Uncertain Significance. This sequence change replaces valine with isoleucine at codon 341 of the CSF2RA protein (p.Val341Ile). The valine residue is weakly conserved and there is a small physicochemical difference between valine and isoleucine. This variant is present in population databases (no rsID available, ExAC 0.001%). This variant has not been reported in the literature in individuals with CSF2RA-related conditions. Algorithms developed to predict the effect of missense changes on protein structure and function output the following: SIFT: "Tolerated"; PolyPhen-2: "Benign"; Align-GVGD: "Class C0". The isoleucine amino acid residue is found in multiple mammalian species, suggesting that this missense change does not adversely affect protein function. These predictions have not been confirmed by published functional studies and their clinical significance is uncertain.

NM_172245.4(CSF2RA):c.1021G>A (p.Val341Ile)

Gene: CSF2RA (colony stimulating factor 2 receptor subunit alpha; plus strand). Cytogenetic location: Xp22.33.
Variant type: single nucleotide variant.
Coding change: c.1021G>A on transcript NM_172245.4 (MANE Select); coding-DNA position 1021, G replaced by A.
Protein change: p.Val341Ile; replaces valine 341 with isoleucine.
Molecular consequence: missense variant. On other transcripts: non-coding transcript variant (1), intron variant (7).
Genome position (GRCh38, 1-based): chrX:1,303,997, G>A. VCF-style: chrX-1303997-G-A. GRCh37 (hg19) VCF-style: chrX-1422890-G-A.
Other names: c.1021G>A, p.Val341Ile (NM_001161529.2, NM_001161531.2, NM_001379155.1 and 9 more transcripts); c.1123G>A, p.Val375Ile (NM_001161530.2, NM_001379153.1, NM_001379154.1); c.622G>A, p.Val208Ile (NM_001161532.2); c.991G>A, p.Val331Ile (NM_001379160.1); c.947-1449G>A (NM_001379167.1, NM_001379169.1, NM_172247.3 and 1 more transcripts); c.946+3371G>A (NM_172246.4); c.647-1449G>A (NM_172249.4); c.855-1449G>A (NM_001379166.1); short protein forms V341I, V331I, V208I, V375I.
Identifiers: ClinVar variation 1494590 (VCV001494590.7), dbSNP rs776273359, ClinGen allele CA10331143.